The following is an entry in ClinVar:

ClinVar aggregate classification (germline): Uncertain significance (1 of 4 stars; one submission).

Conditions:
Holoprosencephaly 11 (HPE11). Identifiers: Orphanet 2162, MedGen C3280215, MONDO:0013642, OMIM 614226.

Allele frequency attached by ClinVar (database versions not stated): ExAC 0.00003; gnomAD 0.00013; TOPMed 0.00019; gnomAD exomes 0.00030.
gnomAD v4.1: 456 of 1,614,036 alleles (0.028%); highest among the groups gnomAD compares: Non-Finnish European, 0.036%; no homozygotes.

Submission:

Labcorp Genetics (formerly Invitae), Labcorp
Classification: Uncertain significance for Holoprosencephaly 11. Last evaluated: 2025-05-22. Review status: criteria provided, single submitter. Criteria: Invitae Variant Classification Sherloc (09022015). Collection method: clinical testing. Allele origin: germline.
Comment: This sequence change replaces valine, which is neutral and non-polar, with leucine, which is neutral and non-polar, at codon 563 of the CDON protein (p.Val563Leu). This variant is present in population databases (rs758716448, gnomAD 0.02%). This variant has not been reported in the literature in individuals affected with CDON-related conditions. ClinVar contains an entry for this variant (Variation ID: 2044316). Invitae Evidence Modeling of protein sequence and biophysical properties (such as structural, functional, and spatial information, amino acid conservation, physicochemical variation, residue mobility, and thermodynamic stability) indicates that this missense variant is not expected to disrupt CDON protein function with a negative predictive value of 80%. In summary, the available evidence is currently insufficient to determine the role of this variant in disease. Therefore, it has been classified as a Variant of Uncertain Significance.

NM_001378964.1(CDON):c.1687G>T (p.Val563Leu)

Gene: CDON (cell adhesion associated, oncogene regulated; minus strand). Cytogenetic location: 11q24.2.
Variant type: single nucleotide variant.
Coding change: c.1687G>T on transcript NM_001378964.1 (MANE Select); coding-DNA position 1687, G replaced by T.
Protein change: p.Val563Leu; replaces valine 563 with leucine.
Molecular consequence: missense variant.
Genome position (GRCh38, 1-based): chr11:126,005,923, C>A on the plus strand (G>T on the coding strand, the complement: CDON is on the minus strand). VCF-style: chr11-126005923-C-A. GRCh37 (hg19) VCF-style: chr11-125875818-C-A.
Other names: c.1687G>T, p.Val563Leu (NM_001243597.3, NM_016952.6); short protein forms V563L.
Identifiers: ClinVar variation 2044316 (VCV002044316.3), dbSNP rs758716448, ClinGen allele CA6351971.